The following is an entry in ClinVar:

NM_000702.4(ATP1A2):c.172T>A (p.Ser58Thr)

Gene: ATP1A2 (ATPase Na+/K+ transporting subunit alpha 2; plus strand). Cytogenetic location: 1q23.2.
Variant type: single nucleotide variant.
Coding change: c.172T>A on transcript NM_000702.4 (MANE Select); coding-DNA position 172, T replaced by A.
Protein change: p.Ser58Thr; replaces serine 58 with threonine.
Molecular consequence: missense variant.
Genome position (GRCh38, 1-based): chr1:160,121,246, T>A. VCF-style: chr1-160121246-T-A. GRCh37 (hg19) VCF-style: chr1-160091036-T-A.
Other names: short protein forms S58T.
Identifiers: ClinVar variation 2755345 (VCV002755345.3), dbSNP rs2524849522, ClinGen allele CA343228940.

ClinVar aggregate classification (germline): Uncertain significance (1 of 4 stars; one submission).

Conditions:
Familial hemiplegic migraine. Identifiers: MedGen C0338484, MONDO:0000700.

Submission:

Labcorp Genetics (formerly Invitae), Labcorp
Classification: Uncertain significance for Familial hemiplegic migraine. Last evaluated: 2025-10-02. Review status: criteria provided, single submitter. Criteria: Invitae Variant Classification Sherloc (09022015). Collection method: clinical testing. Allele origin: germline.
Comment: This sequence change replaces serine, which is neutral and polar, with threonine, which is neutral and polar, at codon 58 of the ATP1A2 protein (p.Ser58Thr). This variant is not present in population databases (gnomAD no frequency). This variant has not been reported in the literature in individuals affected with ATP1A2-related conditions. ClinVar contains an entry for this variant (Variation ID: 2755345). Invitae Evidence Modeling of protein sequence and biophysical properties (such as structural, functional, and spatial information, amino acid conservation, physicochemical variation, residue mobility, and thermodynamic stability) indicates that this missense variant is not expected to disrupt ATP1A2 protein function with a negative predictive value of 80%. In summary, the available evidence is currently insufficient to determine the role of this variant in disease. Therefore, it has been classified as a Variant of Uncertain Significance.